The following is an entry in ClinVar:

NM_023077.3(COA7):c.658G>C (p.Glu220Gln)

Gene: COA7 (cytochrome c oxidase assembly factor 7; minus strand). Cytogenetic location: 1p32.3.
Variant type: single nucleotide variant.
Coding change: c.658G>C on transcript NM_023077.3 (MANE Select); coding-DNA position 658, G replaced by C.
Protein change: p.Glu220Gln; replaces glutamic acid 220 with glutamine.
Molecular consequence: missense variant.
Genome position (GRCh38, 1-based): chr1:52,687,758, C>G on the plus strand (G>C on the coding strand, the complement: COA7 is on the minus strand). VCF-style: chr1-52687758-C-G. GRCh37 (hg19) VCF-style: chr1-53153430-C-G.
Other names: c.658G>C (NM_023077.2); short protein forms E220Q.
Identifiers: ClinVar variation 2161278 (VCV002161278.5), dbSNP rs548947561, ClinGen allele CA22543490.

ClinVar aggregate classification (germline): Uncertain significance. Review status: criteria provided, multiple submitters, no conflicts (2 of 4 stars). 2 submissions from 2 submitters: Uncertain significance (2). Last evaluated 2025-05-30.

Conditions:
Inborn genetic diseases. Identifiers: MedGen C0950123, MeSH D030342.

Allele frequency attached by ClinVar (database versions not stated): gnomAD 0.00001; gnomAD exomes 0.00001; TOPMed 0.00004; 1000 Genomes Project 30x 0.00016; 1000 Genomes Project 0.00020.
gnomAD v4.1: 11 of 1,614,264 alleles (0.00068%); highest among the groups gnomAD compares: Admixed American, 0.018%; no homozygotes.

Submissions (2):

Labcorp Genetics (formerly Invitae), Labcorp
Classification: Uncertain significance. Last evaluated: 2025-05-30. Review status: criteria provided, single submitter. Criteria: Invitae Variant Classification Sherloc (09022015). Collection method: clinical testing. Allele origin: germline.
Comment: This sequence change replaces glutamic acid, which is acidic and polar, with glutamine, which is neutral and polar, at codon 220 of the COA7 protein (p.Glu220Gln). This variant is present in population databases (rs548947561, gnomAD 0.006%). This variant has not been reported in the literature in individuals affected with COA7-related conditions. ClinVar contains an entry for this variant (Variation ID: 2161278). An algorithm developed to predict the effect of missense changes on protein structure and function (PolyPhen-2) suggests that this variant is likely to be tolerated. In summary, the available evidence is currently insufficient to determine the role of this variant in disease. Therefore, it has been classified as a Variant of Uncertain Significance.

Ambry Genetics
Classification: Uncertain significance for Inborn genetic diseases. Last evaluated: 2025-04-09. Review status: criteria provided, single submitter. Criteria: Ambry Variant Classification Scheme 2023. Collection method: clinical testing. Allele origin: germline.